The following is an entry in ClinVar:

NM_001292063.2(OTOG):c.3289G>A (p.Gly1097Ser)

Gene: OTOG (otogelin; plus strand). Cytogenetic location: 11p15.1.
Variant type: single nucleotide variant.
Coding change: c.3289G>A on transcript NM_001292063.2 (MANE Select); coding-DNA position 3289, G replaced by A.
Protein change: p.Gly1097Ser; replaces glycine 1097 with serine.
Molecular consequence: missense variant.
Genome position (GRCh38, 1-based): chr11:17,594,047, G>A. VCF-style: chr11-17594047-G-A. GRCh37 (hg19) VCF-style: chr11-17615594-G-A.
Other names: c.3325G>A, p.Gly1109Ser (NM_001277269.2); c.3325G>A (NM_001277269.1); short protein forms G1097S, G1109S.
Identifiers: ClinVar variation 2187841 (VCV002187841.7), dbSNP rs1215206522, ClinGen allele CA379783511.

ClinVar aggregate classification (germline): Uncertain significance. Review status: criteria provided, multiple submitters, no conflicts (2 of 4 stars). 4 submissions from 4 submitters: Uncertain significance (4). Last evaluated 2025-08-25.

Conditions:
Autosomal recessive nonsyndromic hearing loss 18B. Also called: Deafness, autosomal recessive 18b. Identifiers: Orphanet 90636, MedGen C3554163, MONDO:0013985, OMIM 614945.

Allele frequency attached by ClinVar (database versions not stated): gnomAD exomes below 0.00001.
gnomAD v4.1: 2 of 1,550,486 alleles (0.00013%); highest among the groups gnomAD compares: East Asian, 0.0024%; no homozygotes.

Submissions (4):

Daryl Scott Lab, Baylor College of Medicine
Classification: Uncertain significance for Autosomal recessive nonsyndromic hearing loss 18B. Last evaluated: 2025-08-25. Review status: criteria provided, single submitter. Criteria: ACMG Guidelines, 2015. Collection method: clinical testing. Allele origin: paternal. Affected: yes. Observed: 1 heterozygote.
Comment: PM2, PP3

GeneDx
Classification: Uncertain significance. Last evaluated: 2023-06-02. Review status: criteria provided, single submitter. Criteria: GeneDx Variant Classification Process June 2021. Collection method: clinical testing. Allele origin: germline. Affected: yes.
Comment: Not observed at significant frequency in large population cohorts (gnomAD); In silico analysis supports that this missense variant has a deleterious effect on protein structure/function; Has not been previously published as pathogenic or benign to our knowledge

Labcorp Genetics (formerly Invitae), Labcorp
Classification: Uncertain significance. Last evaluated: 2022-07-05. Review status: criteria provided, single submitter. Criteria: Invitae Variant Classification Sherloc (09022015). Collection method: clinical testing. Allele origin: germline.
Comment: In summary, the available evidence is currently insufficient to determine the role of this variant in disease. Therefore, it has been classified as a Variant of Uncertain Significance. Algorithms developed to predict the effect of sequence changes on RNA splicing suggest that this variant may create or strengthen a splice site. Algorithms developed to predict the effect of missense changes on protein structure and function are either unavailable or do not agree on the potential impact of this missense change (SIFT: "Tolerated"; PolyPhen-2: "Probably Damaging"; Align-GVGD: "Class C0"). This variant has not been reported in the literature in individuals affected with OTOG-related conditions. This variant is present in population databases (no rsID available, gnomAD 0.004%). This sequence change replaces glycine, which is neutral and non-polar, with serine, which is neutral and polar, at codon 1109 of the OTOG protein (p.Gly1109Ser).

Baylor Genetics
Classification: Uncertain significance for Autosomal recessive nonsyndromic hearing loss 18B. Last evaluated: 2021-04-28. Review status: criteria provided, single submitter. Criteria: ACMG Guidelines, 2015. Collection method: clinical testing. Allele origin: unknown.